The following is an entry in ClinVar:

ClinVar aggregate classification (germline): Uncertain significance (1 of 4 stars; one submission).

Conditions:
Arrhythmogenic right ventricular dysplasia 12. Also called: ARRHYTHMOGENIC RIGHT VENTRICULAR DYSPLASIA, FAMILIAL, 12. Identifiers: MedGen C1969081, MONDO:0012684, OMIM 611528.
Naxos disease (NXD). Also called: MAL DE NAXOS; PALMOPLANTAR KERATODERMA WITH ARRHYTHMOGENIC RIGHT VENTRICULAR CARDIOMYOPATHY AND WOOLLY HAIR; WOOLLY HAIR, PALMOPLANTAR KERATODERMA, AND CARDIAC ABNORMALITIES; CARDIOMYOPATHY, ARRHYTHMOGENIC RIGHT VENTRICULAR, WITH SKIN, HAIR, AND NAIL ABNORMALITIES; KERATOSIS PALMOPLANTARIS WITH ARRHYTHMOGENIC CARDIOMYOPATHY. Identifiers: Orphanet 34217, MedGen C1832600, MONDO:0011017, OMIM 601214.

Submission:

Labcorp Genetics (formerly Invitae), Labcorp
Classification: Uncertain significance for Arrhythmogenic right ventricular dysplasia 12; Naxos disease. Last evaluated: 2022-02-21. Review status: criteria provided, single submitter. Criteria: Invitae Variant Classification Sherloc (09022015). Collection method: clinical testing. Allele origin: germline.
Comment: In summary, the available evidence is currently insufficient to determine the role of this variant in disease. Therefore, it has been classified as a Variant of Uncertain Significance. Algorithms developed to predict the effect of missense changes on protein structure and function (SIFT, PolyPhen-2, Align-GVGD) all suggest that this variant is likely to be tolerated. This variant has not been reported in the literature in individuals affected with JUP-related conditions. This variant is not present in population databases (gnomAD no frequency). This sequence change replaces alanine, which is neutral and non-polar, with proline, which is neutral and non-polar, at codon 48 of the JUP protein (p.Ala48Pro).

NM_002230.4(JUP):c.142G>C (p.Ala48Pro)

Gene: JUP (junction plakoglobin; minus strand). Cytogenetic location: 17q21.2.
Variant type: single nucleotide variant.
Coding change: c.142G>C on transcript NM_002230.4 (MANE Select); coding-DNA position 142, G replaced by C.
Protein change: p.Ala48Pro; replaces alanine 48 with proline.
Molecular consequence: missense variant.
Genome position (GRCh38, 1-based): chr17:41,771,713, C>G on the plus strand (G>C on the coding strand, the complement: JUP is on the minus strand). VCF-style: chr17-41771713-C-G. GRCh37 (hg19) VCF-style: chr17-39927965-C-G.
Other names: c.142G>C, p.Ala48Pro (NM_001352773.2, NM_001352774.2, NM_001352775.2 and 3 more transcripts); short protein forms A48P.
Identifiers: ClinVar variation 2100807 (VCV002100807.4), dbSNP rs2544215439, ClinGen allele CA399506819.